The following is an entry in ClinVar:

ClinVar aggregate classification (germline): Likely benign. Review status: criteria provided, multiple submitters, no conflicts (2 of 4 stars). 2 submissions from 2 submitters: Likely benign (2). Last evaluated 2024-11-01.

Conditions:
Inborn genetic diseases. Identifiers: MedGen C0950123, MeSH D030342.

Allele frequency attached by ClinVar (database versions not stated): TOPMed 0.00003; gnomAD 0.00007; gnomAD exomes 0.00026; 1000 Genomes Project 30x 0.00031; ExAC 0.00035; 1000 Genomes Project 0.00040.

Submissions (2):

CeGaT Center for Human Genetics Tuebingen
Classification: Likely benign. Last evaluated: 2024-11-01. Review status: criteria provided, single submitter. Criteria: CeGaT Center For Human Genetics Tuebingen Variant Classification Criteria Version 2. Collection method: clinical testing. Allele origin: germline. Affected: yes. Observed: 1 variant allele.
Comment: POLR2A: PP2, BS1

Ambry Genetics
Classification: Likely benign for Inborn genetic diseases. Last evaluated: 2023-06-06. Review status: criteria provided, single submitter. Criteria: Ambry Variant Classification Scheme 2023. Collection method: clinical testing. Allele origin: germline.

NM_000937.5(POLR2A):c.1910T>C (p.Met637Thr)

Gene: POLR2A (RNA polymerase II subunit A; plus strand). Cytogenetic location: 17p13.1.
Variant type: single nucleotide variant.
Coding change: c.1910T>C on transcript NM_000937.5 (MANE Select); coding-DNA position 1910, T replaced by C.
Protein change: p.Met637Thr; replaces methionine 637 with threonine.
Molecular consequence: missense variant.
Genome position (GRCh38, 1-based): chr17:7,500,968, T>C. VCF-style: chr17-7500968-T-C. GRCh37 (hg19) VCF-style: chr17-7404287-T-C.
Other names: short protein forms M637T.
Identifiers: ClinVar variation 2512847 (VCV002512847.16), dbSNP rs577364570, ClinGen allele CA8349583.